The following is an entry in ClinVar:

ClinVar aggregate classification (germline): Uncertain significance (1 of 4 stars; one submission).

Conditions:
Charcot-Marie-Tooth disease type 2. Also called: Charcot-Marie-Tooth type 2. Identifiers: Orphanet 64746, MedGen C0270914, MONDO:0018993.

Allele frequency attached by ClinVar (database versions not stated): gnomAD 0.00001; 1000 Genomes Project 30x 0.00016.
gnomAD v4.1: 1 of 1,614,142 alleles (0.000062%); highest among the groups gnomAD compares: East Asian, 0.0022%; no homozygotes.

Submission:

Labcorp Genetics (formerly Invitae), Labcorp
Classification: Uncertain significance for Charcot-Marie-Tooth disease type 2. Last evaluated: 2017-10-16. Review status: criteria provided, single submitter. Criteria: Invitae Variant Classification Sherloc (09022015). Collection method: clinical testing. Allele origin: germline.
Comment: In summary, the available evidence is currently insufficient to determine the role of this variant in disease. Therefore, it has been classified as a Variant of Uncertain Significance. Algorithms developed to predict the effect of missense changes on protein structure and function (SIFT, PolyPhen-2, Align-GVGD) all suggest that this variant is likely to be disruptive, but these predictions have not been confirmed by published functional studies and their clinical significance is uncertain. This variant has not been reported in the literature in individuals with GARS-related disease. This variant is not present in population databases (ExAC no frequency). This sequence change replaces aspartic acid with tyrosine at codon 463 of the GARS protein (p.Asp463Tyr). The aspartic acid residue is highly conserved and there is a large physicochemical difference between aspartic acid and tyrosine.

NM_002047.4(GARS1):c.1387G>T (p.Asp463Tyr)

Gene: GARS1 (glycyl-tRNA synthetase 1; plus strand). Cytogenetic location: 7p14.3.
Variant type: single nucleotide variant.
Coding change: c.1387G>T on transcript NM_002047.4 (MANE Select); coding-DNA position 1387, G replaced by T.
Protein change: p.Asp463Tyr; replaces aspartic acid 463 with tyrosine.
Molecular consequence: missense variant.
Genome position (GRCh38, 1-based): chr7:30,621,420, G>T. VCF-style: chr7-30621420-G-T. GRCh37 (hg19) VCF-style: chr7-30661036-G-T.
Other names: c.1387G>T (LRG_243t1); c.1225G>T, p.Asp409Tyr (NM_001316772.1); short protein forms D463Y, D409Y.
Identifiers: ClinVar variation 543190 (VCV000543190.9), dbSNP rs1554339284, ClinGen allele CA367128038.